The following is an entry in ClinVar:

ClinVar aggregate classification (germline): Likely benign (1 of 4 stars; one submission).

Allele frequency attached by ClinVar (database versions not stated): ExAC 0.00001.
gnomAD v4.1: 16 of 1,612,664 alleles (0.00099%); highest among the groups gnomAD compares: African/African-American, 0.0053%; no homozygotes.

Submission:

CeGaT Center for Human Genetics Tuebingen
Classification: Likely benign. Last evaluated: 2023-03-01. Review status: criteria provided, single submitter. Criteria: CeGaT Center For Human Genetics Tuebingen Variant Classification Criteria Version 2. Collection method: clinical testing. Allele origin: germline. Affected: yes. Observed: 1 variant allele.
Comment: INTS1: BP4, BP7

NM_001080453.3(INTS1):c.4995G>A (p.Thr1665=)

Gene: INTS1 (integrator complex subunit 1; minus strand). Cytogenetic location: 7p22.3.
Variant type: single nucleotide variant.
Coding change: c.4995G>A on transcript NM_001080453.3 (MANE Select); coding-DNA position 4995, G replaced by A.
Protein change: p.Thr1665=; no amino-acid change (threonine 1665 retained).
Molecular consequence: synonymous variant.
Genome position (GRCh38, 1-based): chr7:1,476,862, C>T on the plus strand (G>A on the coding strand, the complement: INTS1 is on the minus strand). VCF-style: chr7-1476862-C-T. GRCh37 (hg19) VCF-style: chr7-1516498-C-T.
Other names: c.1512G>A, p.Thr504= (NM_015674.1).
Identifiers: ClinVar variation 2499032 (VCV002499032.28), dbSNP rs780986340, ClinGen allele CA4118620.